The following is an entry in ClinVar:

ClinVar aggregate classification (germline): Uncertain significance. Review status: criteria provided, multiple submitters, no conflicts (2 of 4 stars). 2 submissions from 2 submitters: Uncertain significance (2). Last evaluated 2025-11-27.

Conditions:
Dyskeratosis congenita, autosomal dominant 2. Identifiers: MedGen C3151443, MONDO:0013521, OMIM 613989.
Idiopathic Pulmonary Fibrosis. Also called: Idiopathic fibrosing alveolitis, chronic form; idiopathic fibrosing alveolitis. Identifiers: Orphanet 2032, MedGen C1800706, MeSH D054990, MONDO:0800504.
Dyskeratosis congenita. Identifiers: Orphanet 1775, MedGen C0265965, MONDO:0015780.

Allele frequency attached by ClinVar (database versions not stated): gnomAD exomes below 0.00001.
gnomAD v4.1: 1 of 1,582,916 alleles (0.000063%); highest among the groups gnomAD compares: African/African-American, 0.0013%; no homozygotes.

Submissions (2):

Labcorp Genetics (formerly Invitae), Labcorp
Classification: Uncertain significance for Dyskeratosis congenita, autosomal dominant 2; Idiopathic Pulmonary Fibrosis. Last evaluated: 2025-11-27. Review status: criteria provided, single submitter. Criteria: Invitae Variant Classification Sherloc (09022015). Collection method: clinical testing. Allele origin: germline.
Comment: This sequence change replaces arginine, which is basic and polar, with histidine, which is basic and polar, at codon 224 of the TERT protein (p.Arg224His). This variant is not present in population databases (gnomAD no frequency). This variant has not been reported in the literature in individuals affected with TERT-related conditions. ClinVar contains an entry for this variant (Variation ID: 834357). Invitae Evidence Modeling of protein sequence and biophysical properties (such as structural, functional, and spatial information, amino acid conservation, physicochemical variation, residue mobility, and thermodynamic stability) indicates that this missense variant is not expected to disrupt TERT protein function with a negative predictive value of 95%. In summary, the available evidence is currently insufficient to determine the role of this variant in disease. Therefore, it has been classified as a Variant of Uncertain Significance.

Ambry Genetics
Classification: Uncertain significance for Dyskeratosis congenita. Last evaluated: 2025-06-26. Review status: criteria provided, single submitter. Criteria: Ambry Variant Classification Scheme 2023. Collection method: clinical testing. Allele origin: germline.
Comment: The p.R224H variant (also known as c.671G>A), located in coding exon 2 of the TERT gene, results from a G to A substitution at nucleotide position 671. The arginine at codon 224 is replaced by histidine, an amino acid with highly similar properties. This amino acid position is not well conserved in available vertebrate species. In addition, this alteration is predicted to be tolerated by in silico analysis. Based on the available evidence, the clinical significance of this variant remains unclear.

NM_198253.3(TERT):c.671G>A (p.Arg224His)

Gene: TERT (telomerase reverse transcriptase; minus strand). Cytogenetic location: 5p15.33.
Variant type: single nucleotide variant.
Coding change: c.671G>A on transcript NM_198253.3 (MANE Select); coding-DNA position 671, G replaced by A.
Protein change: p.Arg224His; replaces arginine 224 with histidine.
Molecular consequence: missense variant. On other transcripts: non-coding transcript variant (2).
Genome position (GRCh38, 1-based): chr5:1,294,215, C>T on the plus strand (G>A on the coding strand, the complement: TERT is on the minus strand). VCF-style: chr5-1294215-C-T. GRCh37 (hg19) VCF-style: chr5-1294330-C-T.
Other names: c.671G>A, p.Arg224His (NM_001193376.3); short protein forms R224H.
Identifiers: ClinVar variation 834357 (VCV000834357.8), dbSNP rs1388678536, ClinGen allele CA359057058.